The following is an entry in ClinVar:

ClinVar aggregate classification (germline): Pathogenic (1 of 4 stars; one submission).

Conditions:
Cardiovascular phenotype. Identifiers: MedGen CN230736.

Submission:

Ambry Genetics
Classification: Pathogenic for Cardiovascular phenotype. Last evaluated: 2026-04-16. Review status: criteria provided, single submitter. Criteria: Ambry Variant Classification Scheme 2023. Collection method: clinical testing. Allele origin: germline.
Comment: The c.4461dupC pathogenic mutation, located in coding exon 11 of the TNXB gene, results from a duplication of C at nucleotide position 4461, causing a translational frameshift with a predicted alternate stop codon (p.N1488Qfs*15). This variant is considered to be rare based on population cohorts in the Genome Aggregation Database (gnomAD). This alteration is expected to result in loss of function by premature protein truncation or nonsense-mediated mRNA decay. As such, this alteration is interpreted as a disease-causing mutation.

NM_001365276.2(TNXB):c.4461dup (p.Asn1488fs)

Gene: TNXB (tenascin XB; minus strand). Cytogenetic location: 6p21.33.
Variant type: Duplication.
Coding change: c.4461dup on transcript NM_001365276.2 (MANE Select); coding-DNA position 4461, one base duplicated (C; older notation c.4461dupC).
Protein change: p.Asn1488fs; shifts the reading frame from asparagine 1488.
Molecular consequence: frameshift variant.
Genome position (GRCh38, 1-based): chr6:32,073,867, G duplicated on the plus strand (C on the coding strand, the reverse complement: TNXB is on the minus strand); the first of 5 consecutive G bases (chr6:32,073,867-32,073,871); duplicating any one gives the same sequence. VCF-style (leftmost placement, unchanged base first): chr6-32073866-T-TG. GRCh37 (hg19) VCF-style: chr6-32041643-T-TG.
Other names: c.5202dup, p.Asn1735fs (NM_001428335.1); c.4461dup, p.Asn1488fs (NM_019105.8); short protein forms N1488fs, N1735fs.
Identifiers: ClinVar variation 3459796 (VCV003459796.2).
Genomic context (GRCh38, chr6:32,073,866, plus strand): 5'-ACTGGACTATGAAGGAGTCAAACTGGCCCTCGGGGACTGTCCAGGAGAGGCCCACAGAGT[T>TG]GGGGGTCACATCTGTCACTGTCAGCTCTCCTAGGCGTGGCTCCAGCGGGGACTCAGTGGC-3'